The following is an entry in ClinVar:

NM_004431.5(EPHA2):c.1567G>A (p.Glu523Lys)

Gene: EPHA2 (EPH receptor A2; minus strand). Cytogenetic location: 1p36.13.
Variant type: single nucleotide variant.
Coding change: c.1567G>A on transcript NM_004431.5 (MANE Select); coding-DNA position 1567, G replaced by A.
Protein change: p.Glu523Lys; replaces glutamic acid 523 with lysine.
Molecular consequence: missense variant.
Genome position (GRCh38, 1-based): chr1:16,135,051, C>T on the plus strand (G>A on the coding strand, the complement: EPHA2 is on the minus strand). VCF-style: chr1-16135051-C-T. GRCh37 (hg19) VCF-style: chr1-16461546-C-T.
Other names: c.1567G>A (NM_004431.4); c.1405G>A, p.Glu469Lys (NM_001329090.2); short protein forms E469K, E523K.
Identifiers: ClinVar variation 1216955 (VCV001216955.7), dbSNP rs369180720, ClinGen allele CA625143.

ClinVar aggregate classification (germline): Conflicting classifications of pathogenicity. Review status: criteria provided, conflicting classifications (1 of 4 stars). 3 submissions from 3 submitters: Uncertain significance (1); Likely benign (1). 1 of the submissions does not count toward it. Last evaluated 2025-11-26.

Conditions:
EPHA2-related disorder. Also called: EPHA2-related condition.
Cataract 6 multiple types. Also called: CATARACT 6, POSTERIOR POLAR; CATARACT 6, CONGENITAL TOTAL; CATARACT, AGE-RELATED CORTICAL, 2. Identifiers: Orphanet 91492, MedGen C1861825, MONDO:0007288, OMIM 116600.

Allele frequency attached by ClinVar (database versions not stated): gnomAD 0.00007 and 0.00008; ESP Exome Variant Server 0.00008; gnomAD exomes 0.00030; ExAC 0.00035; TOPMed 0.00015.
gnomAD v4.1: 94 of 1,612,964 alleles (0.0058%); highest among the groups gnomAD compares: Admixed American, 0.14%; 1 homozygote.

Submissions (3):

Labcorp Genetics (formerly Invitae), Labcorp
Classification: Likely benign for Cataract 6 multiple types. Last evaluated: 2025-11-26. Review status: criteria provided, single submitter. Criteria: Invitae Variant Classification Sherloc (09022015). Collection method: clinical testing. Allele origin: germline.

GeneDx
Classification: Uncertain significance. Last evaluated: 2021-03-01. Review status: criteria provided, single submitter. Criteria: GeneDx Variant Classification Process June 2021. Collection method: clinical testing. Allele origin: germline. Affected: yes.
Comment: In silico analysis, which includes protein predictors and evolutionary conservation, supports a deleterious effect; Has not been previously published as pathogenic or benign to our knowledge

PreventionGenetics, part of Exact Sciences
Classification: Likely benign for EPHA2-related condition. Last evaluated: 2020-06-01. Review status: no assertion criteria provided. Collection method: clinical testing. Allele origin: germline. Not counted in ClinVar's aggregate classification.
Comment: This variant is classified as likely benign based on ACMG/AMP sequence variant interpretation guidelines (Richards et al. 2015 PMID: 25741868, with internal and published modifications).